The following is an entry in ClinVar:

NM_014975.3(MAST1):c.3428C>T (p.Ser1143Phe)

Gene: MAST1 (microtubule associated serine/threonine kinase 1; plus strand). Cytogenetic location: 19p13.13.
Variant type: single nucleotide variant.
Coding change: c.3428C>T on transcript NM_014975.3 (MANE Select); coding-DNA position 3428, C replaced by T.
Protein change: p.Ser1143Phe; replaces serine 1143 with phenylalanine.
Molecular consequence: missense variant.
Genome position (GRCh38, 1-based): chr19:12,873,488, C>T. VCF-style: chr19-12873488-C-T. GRCh37 (hg19) VCF-style: chr19-12984302-C-T.
Other names: short protein forms S1143F.
Identifiers: ClinVar variation 3363376 (VCV003363376.2).
Genomic context (GRCh38, chr19:12,873,488, plus strand): 5'-GTCTCCCGGGCTCGCCTACGCACGGGCTGCCGGCGCGCTCGCCCACGCACAGCTACCGCT[C>T]CACGCCTGACTCCGCCTACCTAGGTATTACCTCCTGCACCTGCGCGGGGACCGAGCAGCG-3'
Protein context (NP_055790.1, residues 1133-1153): PARSPTHSYR[Ser1143Phe]TPDSAYLGAS

ClinVar aggregate classification (germline): Uncertain significance (1 of 4 stars; one submission).

Submission:

GeneDx
Classification: Uncertain significance. Last evaluated: 2026-07-02. Review status: criteria provided, single submitter. Criteria: GeneDx Variant Classification Process June 2021. Collection method: clinical testing. Allele origin: germline.
Comment: Not observed at significant frequency in large population cohorts (gnomAD); In silico analysis supports that this missense variant has a deleterious effect on protein structure/function; Has not been previously published as pathogenic or benign to our knowledge